The following is an entry in ClinVar:

NM_152564.5(VPS13B):c.4958G>A (p.Arg1653Gln)

Gene: VPS13B (vacuolar protein sorting 13 homolog B; plus strand). Cytogenetic location: 8q22.2.
Variant type: single nucleotide variant.
Coding change: c.4958G>A on transcript NM_152564.5 (MANE Select); coding-DNA position 4958, G replaced by A.
Protein change: p.Arg1653Gln; replaces arginine 1653 with glutamine.
Molecular consequence: missense variant.
Genome position (GRCh38, 1-based): chr8:99,575,666, G>A. VCF-style: chr8-99575666-G-A. GRCh37 (hg19) VCF-style: chr8-100587894-G-A.
Other names: c.5033G>A, p.Arg1678Gln (NM_017890.5); c.4958G>A (NM_152564.4); short protein forms R1653Q, R1678Q.
Identifiers: ClinVar variation 1525875 (VCV001525875.9), dbSNP rs751699219, ClinGen allele CA4823707.

ClinVar aggregate classification (germline): Uncertain significance. Review status: criteria provided, multiple submitters, no conflicts (2 of 4 stars). 3 submissions from 3 submitters: Uncertain significance (2). 1 of the submissions does not count toward it. Last evaluated 2024-06-27.

Conditions:
Inborn genetic diseases. Identifiers: MedGen C0950123, MeSH D030342.
Cohen syndrome (COH1). Also called: PEPPER SYNDROME; Cutis verticis gyrata, retinitis pigmentosa, and sensorineural deafness. Identifiers: Orphanet 193, MedGen C0265223, MONDO:0008999, OMIM 216550.
VPS13B-related disorder. Also called: VPS13B-related condition.

Allele frequency attached by ClinVar (database versions not stated): ExAC 0.00002; gnomAD 0.00002 and 0.00003; TOPMed 0.00002; gnomAD exomes 0.00003.
gnomAD v4.1: 62 of 1,613,596 alleles (0.0038%); highest among the groups gnomAD compares: East Asian, 0.056%; no homozygotes.

Submissions (3):

Labcorp Genetics (formerly Invitae), Labcorp
Classification: Uncertain significance for Cohen syndrome. Last evaluated: 2024-06-27. Review status: criteria provided, single submitter. Criteria: Invitae Variant Classification Sherloc (09022015). Collection method: clinical testing. Allele origin: germline.
Comment: This sequence change replaces arginine, which is basic and polar, with glutamine, which is neutral and polar, at codon 1678 of the VPS13B protein (p.Arg1678Gln). This variant is present in population databases (rs751699219, gnomAD 0.02%). This variant has not been reported in the literature in individuals affected with VPS13B-related conditions. ClinVar contains an entry for this variant (Variation ID: 1525875). Advanced modeling of protein sequence and biophysical properties (such as structural, functional, and spatial information, amino acid conservation, physicochemical variation, residue mobility, and thermodynamic stability) has been performed at Invitae for this missense variant, however the output from this modeling did not meet the statistical confidence thresholds required to predict the impact of this variant on VPS13B protein function. In summary, the available evidence is currently insufficient to determine the role of this variant in disease. Therefore, it has been classified as a Variant of Uncertain Significance.

Ambry Genetics
Classification: Uncertain significance for Inborn genetic diseases. Last evaluated: 2018-09-29. Review status: criteria provided, single submitter. Criteria: Ambry Variant Classification Scheme 2023. Collection method: clinical testing. Allele origin: germline.
Comment: The p.R1678Q variant (also known as c.5033G>A), located in coding exon 31 of the VPS13B gene, results from a G to A substitution at nucleotide position 5033. The arginine at codon 1678 is replaced by glutamine, an amino acid with highly similar properties. This amino acid position is highly conserved in available vertebrate species. In addition, the in silico prediction for this alteration is inconclusive. Since supporting evidence is limited at this time, the clinical significance of this alteration remains unclear.

PreventionGenetics, part of Exact Sciences
Classification: Uncertain significance for VPS13B-related condition. Last evaluated: 2024-05-09. Review status: no assertion criteria provided. Collection method: clinical testing. Allele origin: germline. Not counted in ClinVar's aggregate classification.
Comment: The VPS13B c.4958G>A variant is predicted to result in the amino acid substitution p.Arg1653Gln. To our knowledge, this variant has not been reported in the literature. This variant is reported in 0.016% of alleles in individuals of East Asian descent in gnomAD. At this time, the clinical significance of this variant is uncertain due to the absence of conclusive functional and genetic evidence.